The following is an entry in ClinVar:

NM_000318.3(PEX2):c.461T>C (p.Phe154Ser)

Gene: PEX2 (peroxisomal biogenesis factor 2; minus strand). Cytogenetic location: 8q21.13.
Variant type: single nucleotide variant.
Coding change: c.461T>C on transcript NM_000318.3 (MANE Select); coding-DNA position 461, T replaced by C.
Protein change: p.Phe154Ser; replaces phenylalanine 154 with serine.
Molecular consequence: missense variant.
Genome position (GRCh38, 1-based): chr8:76,983,718, A>G on the plus strand (T>C on the coding strand, the complement: PEX2 is on the minus strand). VCF-style: chr8-76983718-A-G. GRCh37 (hg19) VCF-style: chr8-77895954-A-G.
Other names: c.461T>C, p.Phe154Ser (NM_001079867.2, NM_001172086.2, NM_001172087.2); short protein forms F154S.
Identifiers: ClinVar variation 1006350 (VCV001006350.7), dbSNP rs755169713, ClinGen allele CA4788705.

ClinVar aggregate classification (germline): Uncertain significance. Review status: criteria provided, single submitter (1 of 4 stars). 2 submissions from 2 submitters: Uncertain significance (1). 1 of the submissions does not count toward it. Last evaluated 2021-08-24.

Conditions:
Zellweger spectrum disorders (ZS). Also called: Zellweger Spectrum Disorder; Zellweger Spectrum; Zellweger syndrome; Zellweger Spectrum Disorder (ZSD). Identifiers: Orphanet 912, MedGen C0043459, MONDO:0019609.
Peroxisome biogenesis disorder 5A (Zellweger) (PBD5A). Identifiers: Orphanet 912, MedGen C3553940, MONDO:0013932, OMIM 614866.

Allele frequency attached by ClinVar (database versions not stated): gnomAD exomes below 0.00001; gnomAD 0.00001; TOPMed 0.00001.
gnomAD v4.1: 4 of 1,613,970 alleles (0.00025%); highest among the groups gnomAD compares: African/African-American, 0.004%; no homozygotes.

Submissions (2):

Labcorp Genetics (formerly Invitae), Labcorp
Classification: Uncertain significance for Peroxisome biogenesis disorder 5A (Zellweger). Last evaluated: 2021-08-24. Review status: criteria provided, single submitter. Criteria: Invitae Variant Classification Sherloc (09022015). Collection method: clinical testing. Allele origin: germline.
Comment: This sequence change replaces phenylalanine with serine at codon 154 of the PEX2 protein (p.Phe154Ser). The phenylalanine residue is highly conserved and there is a large physicochemical difference between phenylalanine and serine. This variant is present in population databases (rs755169713, ExAC 0.02%). This variant has not been reported in the literature in individuals affected with PEX2-related conditions. Algorithms developed to predict the effect of missense changes on protein structure and function (SIFT, PolyPhen-2, Align-GVGD) all suggest that this variant is likely to be disruptive. In summary, the available evidence is currently insufficient to determine the role of this variant in disease. Therefore, it has been classified as a Variant of Uncertain Significance.

Natera, Inc.
Classification: Uncertain significance for Zellweger syndrome. Last evaluated: 2020-09-27. Review status: no assertion criteria provided. Collection method: clinical testing. Allele origin: germline. Not counted in ClinVar's aggregate classification.